The following is an entry in ClinVar:

ClinVar aggregate classification (germline): Likely pathogenic. Review status: criteria provided, multiple submitters, no conflicts (2 of 4 stars). 2 submissions from 2 submitters: Likely pathogenic (2). Last evaluated 2023-11-30.

Conditions:
Hereditary breast ovarian cancer syndrome. Also called: BRCA1- and BRCA2-Associated Hereditary Breast and Ovarian Cancer; Hereditary breast and ovarian cancer; Hereditary breast and/or ovarian cancer syndrome; Hereditary breast and ovarian cancer syndrome; Hereditary breast and ovarian cancer syndrome (HBOC); Breast and ovarian cancer. Identifiers: Orphanet 145, MedGen C0677776, MeSH D061325, MONDO:0003582. Disease mechanism: loss of function.
Hereditary cancer-predisposing syndrome. Also called: Neoplastic Syndromes, Hereditary; Hereditary Cancer Syndrome; Tumor predisposition; Hereditary neoplastic syndrome. Identifiers: Orphanet 140162, MedGen C0027672, MeSH D009386, MONDO:0015356.

Submissions (2):

Ambry Genetics
Classification: Likely pathogenic for Hereditary cancer-predisposing syndrome. Last evaluated: 2023-11-30. Review status: criteria provided, single submitter. Criteria: Ambry Variant Classification Scheme 2023. Collection method: clinical testing. Allele origin: germline.
Comment: The p.H2623Y variant (also known as c.7867C>T), located in coding exon 16 of the BRCA2 gene, results from a C to T substitution at nucleotide position 7867. The histidine at codon 2623 is replaced by tyrosine, an amino acid with similar properties. This variant was non-functional in a homology-directed DNA repair (HDR) assay (Hart SN et al. Genet. Med., 2019 01;21:71-80). A similar alteration at this codon, p.H2623R, was also functionally defective in a homology directed repair assay (Guidugli L et al. Am. J. Hum. Genet., 2018 Jan) and is expected to lead to significant destabilization of the helical domain, where several other pathogenic alterations are present (Yang H et al. Science. 2002 Sep;297:1837-48). This variant is considered to be rare based on population cohorts in the Genome Aggregation Database (gnomAD). This amino acid position is highly conserved in available vertebrate species. In addition, this alteration is predicted to be deleterious by in silico analysis. Based on the majority of available evidence to date, this variant is likely to be pathogenic.

Labcorp Genetics (formerly Invitae), Labcorp
Classification: Likely pathogenic for Hereditary breast ovarian cancer syndrome. Last evaluated: 2022-05-24. Review status: criteria provided, single submitter. Criteria: Invitae Variant Classification Sherloc (09022015). Collection method: clinical testing. Allele origin: germline.
Comment: In summary, the currently available evidence indicates that the variant is pathogenic, but additional data are needed to prove that conclusively. Therefore, this variant has been classified as Likely Pathogenic. This variant disrupts the p.His2623 amino acid residue in BRCA2. Other variant(s) that disrupt this residue have been determined to be pathogenic (PMID: 29394989, 32444794, 33609447; Invitae). This suggests that this residue is clinically significant, and that variants that disrupt this residue are likely to be disease-causing. Experimental studies have shown that this missense change affects BRCA2 function (PMID: 29884841). Advanced modeling of experimental studies (such as gene expression, population dynamics, functional pathways, and cell-cycle effects in cell culture) performed at Invitae indicates that this missense variant is expected to disrupt BRCA2 protein function. ClinVar contains an entry for this variant (Variation ID: 573433). This variant has not been reported in the literature in individuals affected with BRCA2-related conditions. This variant is not present in population databases (gnomAD no frequency). This sequence change replaces histidine, which is basic and polar, with tyrosine, which is neutral and polar, at codon 2623 of the BRCA2 protein (p.His2623Tyr).

Literature cited by the submitters: PubMed 29884841 (cited by Ambry Genetics and Labcorp Genetics (formerly Invitae), Labcorp); PubMed 33609447 (cited by Ambry Genetics and Labcorp Genetics (formerly Invitae), Labcorp); PubMed 29394989 (cited by Labcorp Genetics (formerly Invitae), Labcorp); PubMed 32444794 (cited by Labcorp Genetics (formerly Invitae), Labcorp).

NM_000059.4(BRCA2):c.7867C>T (p.His2623Tyr)

Gene: BRCA2 (BRCA2 DNA repair associated; plus strand). Cytogenetic location: 13q13.1.
Variant type: single nucleotide variant.
Coding change: c.7867C>T on transcript NM_000059.4 (MANE Select); coding-DNA position 7867, C replaced by T.
Protein change: p.His2623Tyr; replaces histidine 2623 with tyrosine.
Molecular consequence: missense variant.
Genome position (GRCh38, 1-based): chr13:32,362,584, C>T. VCF-style: chr13-32362584-C-T. GRCh37 (hg19) VCF-style: chr13-32936721-C-T.
Other names: short protein forms H2623Y.
Identifiers: ClinVar variation 573433 (VCV000573433.11), dbSNP rs1566244783, ClinGen allele CA387747084.